The following is an entry in ClinVar:

NM_002471.4(MYH6):c.3542A>T (p.Glu1181Val)

Gene: MYH6 (myosin heavy chain 6; minus strand). Cytogenetic location: 14q11.2.
Variant type: single nucleotide variant.
Coding change: c.3542A>T on transcript NM_002471.4 (MANE Select); coding-DNA position 3542, A replaced by T.
Protein change: p.Glu1181Val; replaces glutamic acid 1181 with valine.
Molecular consequence: missense variant.
Genome position (GRCh38, 1-based): chr14:23,390,247, T>A on the plus strand (A>T on the coding strand, the complement: MYH6 is on the minus strand). VCF-style: chr14-23390247-T-A. GRCh37 (hg19) VCF-style: chr14-23859456-T-A.
Other names: short protein forms E1181V.
Identifiers: ClinVar variation 1732485 (VCV001732485.11), dbSNP rs1266983460, ClinGen allele CA389006051.
Genomic context (GRCh38, chr14:23,390,247, plus strand): 5'-CTGTCGGCGTGCTTCTTGCGCAGGGCCGCGGCAGTGGCCTCGTGCTGCAGCGTGGCCTCC[T>A]CCAGGTCCCGCCGCATCTTCTGGAACTCGGCCTCGCGCTTCTTGTTCATCTCGATCTGCA-3'
Protein context (NP_002462.2, residues 1171-1191): AEFQKMRRDL[Glu1181Val]EATLQHEATA

ClinVar aggregate classification (germline): Uncertain significance. Review status: criteria provided, multiple submitters, no conflicts (2 of 4 stars). 5 submissions from 5 submitters: Uncertain significance (5). Last evaluated 2025-11-04.

Conditions:
MYH6-related disorder. Also called: MYH6-Related Disorders; MYH6-related condition.
Cardiovascular phenotype. Identifiers: MedGen CN230736.
Atrial septal defect 3 (ASD3). Identifiers: Orphanet 1478, MedGen C3279790, MONDO:0013567, OMIM 614089.
Sick sinus syndrome 3, susceptibility to (SSS3). Identifiers: Orphanet 166282, MedGen C3279791, MONDO:0013568, OMIM 614090.
Dilated cardiomyopathy 1EE (CMD1EE). Identifiers: Orphanet 154, MedGen C2750466, MONDO:0013198, OMIM 613252.
Hypertrophic cardiomyopathy 14. Identifiers: MedGen C2750467, MONDO:0013197, OMIM 613251.

Allele frequency attached by ClinVar (database versions not stated): gnomAD 0.00001; gnomAD exomes 0.00002.
gnomAD v4.1: 26 of 1,583,478 alleles (0.0016%); highest among the groups gnomAD compares: Non-Finnish European, 0.0022%; no homozygotes.

Submissions (5):

PreventionGenetics, part of Exact Sciences
Classification: Uncertain significance for MYH6-related condition. Last evaluated: 2025-11-04. Review status: criteria provided, single submitter. Criteria: ACMG Guidelines, 2015. Collection method: clinical testing. Allele origin: germline.
Comment: The MYH6 c.3542A>T variant is predicted to result in the amino acid substitution p.Glu1181Val. To our knowledge, this variant has not been reported in the literature. This variant is reported in 0.0022% of alleles in individuals of European (Non-Finnish) descent in gnomAD. At this time, the clinical significance of this variant is uncertain due to the absence of conclusive functional and genetic evidence.

Labcorp Genetics (formerly Invitae), Labcorp
Classification: Uncertain significance for Hypertrophic cardiomyopathy 14. Last evaluated: 2025-08-13. Review status: criteria provided, single submitter. Criteria: Invitae Variant Classification Sherloc (09022015). Collection method: clinical testing. Allele origin: germline.
Comment: This sequence change replaces glutamic acid, which is acidic and polar, with valine, which is neutral and non-polar, at codon 1181 of the MYH6 protein (p.Glu1181Val). This variant is present in population databases (no rsID available, gnomAD 0.002%). This variant has not been reported in the literature in individuals affected with MYH6-related conditions. ClinVar contains an entry for this variant (Variation ID: 1732485). Invitae Evidence Modeling of protein sequence and biophysical properties (such as structural, functional, and spatial information, amino acid conservation, physicochemical variation, residue mobility, and thermodynamic stability) indicates that this missense variant is not expected to disrupt MYH6 protein function with a negative predictive value of 80%. In summary, the available evidence is currently insufficient to determine the role of this variant in disease. Therefore, it has been classified as a Variant of Uncertain Significance.

Fulgent Genetics
Classification: Uncertain significance for Hypertrophic cardiomyopathy 14; Dilated cardiomyopathy 1EE; Atrial septal defect 3; Sick sinus syndrome 3, susceptibility to. Last evaluated: 2024-01-29. Review status: criteria provided, single submitter. Criteria: ACMG Guidelines, 2015. Collection method: clinical testing. Allele origin: germline.

GeneDx
Classification: Uncertain significance. Last evaluated: 2024-01-22. Review status: criteria provided, single submitter. Criteria: GeneDx Variant Classification Process June 2021. Collection method: clinical testing. Allele origin: germline. Affected: yes.
Comment: Has not been previously published as pathogenic or benign to our knowledge; Not observed at significant frequency in large population cohorts (gnomAD); In silico analysis supports that this missense variant has a deleterious effect on protein structure/function

Ambry Genetics
Classification: Uncertain significance for Cardiovascular phenotype. Last evaluated: 2023-08-03. Review status: criteria provided, single submitter. Criteria: Ambry Variant Classification Scheme 2023. Collection method: clinical testing. Allele origin: germline.
Comment: The p.E1181V variant (also known as c.3542A>T), located in coding exon 24 of the MYH6 gene, results from an A to T substitution at nucleotide position 3542. The glutamic acid at codon 1181 is replaced by valine, an amino acid with dissimilar properties. This amino acid position is highly conserved in available vertebrate species. In addition, this alteration is predicted to be deleterious by in silico analysis. Since supporting evidence is limited at this time, the clinical significance of this alteration remains unclear.